The following is an entry in ClinVar:

NM_006361.6(HOXB13):c.54G>T (p.Leu18Phe)

Gene: HOXB13 (homeobox B13; minus strand). Cytogenetic location: 17q21.32.
Variant type: single nucleotide variant.
Coding change: c.54G>T on transcript NM_006361.6 (MANE Select); coding-DNA position 54, G replaced by T.
Protein change: p.Leu18Phe; replaces leucine 18 with phenylalanine.
Molecular consequence: missense variant.
Genome position (GRCh38, 1-based): chr17:48,728,540, C>A on the plus strand (G>T on the coding strand, the complement: HOXB13 is on the minus strand). VCF-style: chr17-48728540-C-A. GRCh37 (hg19) VCF-style: chr17-46805902-C-A.
Other names: short protein forms L18F.
Identifiers: ClinVar variation 825782 (VCV000825782.8), dbSNP rs1597935263, ClinGen allele CA400109724.

ClinVar aggregate classification (germline): Uncertain significance. Review status: criteria provided, multiple submitters, no conflicts (2 of 4 stars). 3 submissions from 3 submitters: Uncertain significance (3). Last evaluated 2025-12-22.

Conditions:
Prostate cancer, hereditary, 9 (HPC9). Identifiers: Orphanet 1331, MedGen C1970250, MONDO:0012597, OMIM 610997.
Hereditary cancer-predisposing syndrome. Also called: Neoplastic Syndromes, Hereditary; Tumor predisposition; Hereditary neoplastic syndrome; Hereditary Cancer Syndrome. Identifiers: Orphanet 140162, MedGen C0027672, MeSH D009386, MONDO:0015356.

Allele frequency attached by ClinVar (database versions not stated): TOPMed below 0.00001.

Submissions (3):

Labcorp Genetics (formerly Invitae), Labcorp
Classification: Uncertain significance. Last evaluated: 2025-12-22. Review status: criteria provided, single submitter. Criteria: Invitae Variant Classification Sherloc (09022015). Collection method: clinical testing. Allele origin: germline.
Comment: This sequence change replaces leucine, which is neutral and non-polar, with phenylalanine, which is neutral and non-polar, at codon 18 of the HOXB13 protein (p.Leu18Phe). This variant is not present in population databases (gnomAD no frequency). This variant has not been reported in the literature in individuals affected with HOXB13-related conditions. ClinVar contains an entry for this variant (Variation ID: 825782). An algorithm developed to predict the effect of missense changes on protein structure and function (PolyPhen-2) suggests that this variant is likely to be disruptive. In summary, the available evidence is currently insufficient to determine the role of this variant in disease. Therefore, it has been classified as a Variant of Uncertain Significance.

Fulgent Genetics
Classification: Uncertain significance for Prostate cancer, hereditary, 9. Last evaluated: 2024-05-14. Review status: criteria provided, single submitter. Criteria: ACMG Guidelines, 2015. Collection method: clinical testing. Allele origin: germline.

Ambry Genetics
Classification: Uncertain significance for Hereditary cancer-predisposing syndrome. Last evaluated: 2018-09-12. Review status: criteria provided, single submitter. Criteria: Ambry Variant Classification Scheme 2023. Collection method: clinical testing. Allele origin: germline.
Comment: The p.L18F variant (also known as c.54G>T), located in coding exon 1 of the HOXB13 gene, results from a G to T substitution at nucleotide position 54. The leucine at codon 18 is replaced by phenylalanine, an amino acid with highly similar properties. This amino acid position is well conserved in available vertebrate species. In addition, this alteration is predicted to be tolerated by in silico analysis. Since supporting evidence is limited at this time, the clinical significance of this alteration remains unclear.